The following is an entry in ClinVar:

NM_001330078.2(NRXN1):c.4060A>T (p.Thr1354Ser)

Gene: NRXN1 (neurexin 1; minus strand). Cytogenetic location: 2p16.3.
Variant type: single nucleotide variant.
Coding change: c.4060A>T on transcript NM_001330078.2 (MANE Select); coding-DNA position 4060, A replaced by T.
Protein change: p.Thr1354Ser; replaces threonine 1354 with serine.
Molecular consequence: missense variant.
Genome position (GRCh38, 1-based): chr2:50,053,339, T>A on the plus strand (A>T on the coding strand, the complement: NRXN1 is on the minus strand). VCF-style: chr2-50053339-T-A. GRCh37 (hg19) VCF-style: chr2-50280477-T-A.
Other names: c.4180A>T, p.Thr1394Ser (NM_001135659.3); c.4036A>T, p.Thr1346Ser (NM_001330077.2, NM_001330082.2); c.3904A>T, p.Thr1302Ser (NM_001330083.2); c.3994A>T, p.Thr1332Ser (NM_001330084.2); c.4033A>T, p.Thr1345Ser (NM_001330085.2); c.4060A>T, p.Thr1354Ser (NM_001330086.2); c.3859A>T, p.Thr1287Ser (NM_001330087.2, NM_001330096.2); c.3889A>T, p.Thr1297Ser (NM_001330088.2); and 6 more; short protein forms T1394S, T1307S, T289S, T1287S, T1324S, T1345S, T1353S, T1354S.
Identifiers: ClinVar variation 336541 (VCV000336541.18), dbSNP rs202006815, ClinGen allele CA1654309.

ClinVar aggregate classification (germline): Conflicting classifications of pathogenicity. Review status: criteria provided, conflicting classifications (1 of 4 stars). 3 submissions from 3 submitters: Uncertain significance (1); Likely benign (2). Last evaluated 2025-10-07.

Conditions:
Inborn genetic diseases. Identifiers: MedGen C0950123, MeSH D030342.
Pitt-Hopkins-like syndrome 2 (PTHSL2). Identifiers: Orphanet 221150, Orphanet 600663, MedGen C3280479, MONDO:0013690, OMIM 614325.

Allele frequency attached by ClinVar (database versions not stated): gnomAD 0.00008 and 0.00012; TOPMed 0.00022; ExAC 0.00024; gnomAD exomes 0.00024; 1000 Genomes Project 30x 0.00078; 1000 Genomes Project 0.00080.
gnomAD v4.1: 119 of 1,614,024 alleles (0.0074%); highest among the groups gnomAD compares: East Asian, 0.25%; no homozygotes.

Submissions (3):

Labcorp Genetics (formerly Invitae), Labcorp
Classification: Likely benign for Pitt-Hopkins-like syndrome 2. Last evaluated: 2025-10-07. Review status: criteria provided, single submitter. Criteria: Invitae Variant Classification Sherloc (09022015). Collection method: clinical testing. Allele origin: germline.

GeneDx
Classification: Likely benign. Last evaluated: 2020-03-24. Review status: criteria provided, single submitter. Criteria: GeneDx Variant Classification Process June 2021. Collection method: clinical testing. Allele origin: germline. Affected: yes.
Comment: This variant is associated with the following publications: (PMID: 33343614, 28785396)

Ambry Genetics
Classification: Uncertain significance for Inborn genetic diseases. Last evaluated: 2019-02-09. Review status: criteria provided, single submitter. Criteria: Ambry Variant Classification Scheme 2023. Collection method: clinical testing. Allele origin: germline.
Comment: The p.T1394S variant (also known as c.4180A>T), located in coding exon 21 of the NRXN1 gene, results from an A to T substitution at nucleotide position 4180. The threonine at codon 1394 is replaced by serine, an amino acid with similar properties. This amino acid position is not well conserved in available vertebrate species. In addition, this alteration is predicted to be tolerated by in silico analysis. Based on available evidence to date, the clinical significance of this alteration remains unclear.

Literature cited by the submitters: PubMed 29924869 (cited by Ambry Genetics).